The following is an entry in ClinVar:

NM_001105206.3(LAMA4):c.2354-1G>T

Gene: LAMA4 (laminin subunit alpha 4; minus strand). Cytogenetic location: 6q21.
Variant type: single nucleotide variant.
Coding change: c.2354-1G>T on transcript NM_001105206.3 (MANE Select); the canonical splice acceptor site of the intron before coding-DNA position 2354, G replaced by T.
Molecular consequence: splice acceptor variant.
Genome position (GRCh38, 1-based): chr6:112,144,934, C>A on the plus strand (G>T on the coding strand, the complement: LAMA4 is on the minus strand). VCF-style: chr6-112144934-C-A. GRCh37 (hg19) VCF-style: chr6-112466136-C-A.
Other names: c.2333-1G>T (NM_002290.5, NM_001105207.3).
Identifiers: ClinVar variation 4045952 (VCV004045952.1).

ClinVar aggregate classification (germline): Uncertain significance (1 of 4 stars; one submission).

Conditions:
Cardiovascular phenotype. Identifiers: MedGen CN230736.

Submission:

Ambry Genetics
Classification: Uncertain significance for Cardiovascular phenotype. Last evaluated: 2025-05-22. Review status: criteria provided, single submitter. Criteria: Ambry Variant Classification Scheme 2023. Collection method: clinical testing. Allele origin: germline.
Comment: The c.2333-1G>T intronic variant results from a G to T substitution one nucleotide upstream from coding exon 18 of the LAMA4 gene. This nucleotide position is highly conserved in available vertebrate species. In silico splice site analysis predicts that this alteration will weaken the native splice acceptor site and may result in the creation or strengthening of a novel splice acceptor site. Alterations that disrupt the canonical splice site are expected to cause aberrant splicing, resulting in an abnormal protein or a transcript that is subject to nonsense-mediated mRNA decay. However, the evidence for this gene-disease relationship is limited; therefore, the clinical significance of this alteration is unclear.